The following is an entry in ClinVar:

ClinVar aggregate classification (germline): Uncertain significance. Review status: criteria provided, multiple submitters, no conflicts (2 of 4 stars). 2 submissions from 2 submitters: Uncertain significance (2). Last evaluated 2025-07-19.

Conditions:
Bloom syndrome (BLM). Also called: Bloom-Torre-Machacek syndrome. Identifiers: Orphanet 125, MedGen C0005859, MONDO:0008876, OMIM 210900.
Hereditary cancer-predisposing syndrome. Also called: Neoplastic Syndromes, Hereditary; Hereditary neoplastic syndrome; Tumor predisposition; Hereditary Cancer Syndrome. Identifiers: Orphanet 140162, MedGen C0027672, MeSH D009386, MONDO:0015356.

Allele frequency attached by ClinVar (database versions not stated): gnomAD exomes below 0.00001.
gnomAD v4.1: 1 of 1,614,154 alleles (0.000062%); highest among the groups gnomAD compares: Non-Finnish European, 0.000085%; no homozygotes.

Submissions (2):

Ambry Genetics
Classification: Uncertain significance for Hereditary cancer-predisposing syndrome. Last evaluated: 2025-07-19. Review status: criteria provided, single submitter. Criteria: Ambry Variant Classification Scheme 2023. Collection method: clinical testing. Allele origin: germline.
Comment: The p.Y973N variant (also known as c.2917T>A), located in coding exon 14 of the BLM gene, results from a T to A substitution at nucleotide position 2917. The tyrosine at codon 973 is replaced by asparagine, an amino acid with dissimilar properties. This amino acid position is conserved. In addition, this alteration is predicted to be deleterious by in silico analysis. Based on the available evidence, the clinical significance of this variant remains unclear.

Labcorp Genetics (formerly Invitae), Labcorp
Classification: Uncertain significance for Bloom syndrome. Last evaluated: 2021-08-03. Review status: criteria provided, single submitter. Criteria: Invitae Variant Classification Sherloc (09022015). Collection method: clinical testing. Allele origin: germline.
Comment: This variant is not present in population databases (ExAC no frequency). In summary, the available evidence is currently insufficient to determine the role of this variant in disease. Therefore, it has been classified as a Variant of Uncertain Significance. Algorithms developed to predict the effect of missense changes on protein structure and function do not agree on the potential impact of this missense change (SIFT: "Deleterious"; PolyPhen-2: "Probably Damaging"; Align-GVGD: "Class C0"). This variant has not been reported in the literature in individuals with BLM-related disease. This sequence change replaces tyrosine with asparagine at codon 973 of the BLM protein (p.Tyr973Asn). The tyrosine residue is highly conserved and there is a large physicochemical difference between tyrosine and asparagine.

NM_000057.4(BLM):c.2917T>A (p.Tyr973Asn)

Gene: BLM (BLM RecQ like helicase; plus strand). Cytogenetic location: 15q26.1.
Variant type: single nucleotide variant.
Coding change: c.2917T>A on transcript NM_000057.4 (MANE Select); coding-DNA position 2917, T replaced by A.
Protein change: p.Tyr973Asn; replaces tyrosine 973 with asparagine.
Molecular consequence: missense variant.
Genome position (GRCh38, 1-based): chr15:90,790,742, T>A. VCF-style: chr15-90790742-T-A. GRCh37 (hg19) VCF-style: chr15-91333972-T-A.
Other names: c.2917T>A (NM_000057.2); c.2917T>A, p.Tyr973Asn (NM_001287246.2, NM_001287247.2); c.1792T>A, p.Tyr598Asn (NM_001287248.2); short protein forms Y973N, Y598N.
Identifiers: ClinVar variation 524771 (VCV000524771.10), dbSNP rs1555423104, ClinGen allele CA393846409.
Genomic context (GRCh38, chr15:90,790,742, plus strand): 5'-ATTGACAAACCGGACGTGCGATTTGTGATTCATGCATCTCTCCCTAAATCTGTGGAGGGT[T>A]ACTACCAAGAATCTGGCAGAGCTGGAAGAGATGGGGAAATATCTCACTGCCTGCTTTTCT-3'
Protein context (NP_000048.1, residues 963-983): HASLPKSVEG[Tyr973Asn]YQESGRAGRD